The following is an entry in ClinVar:

ClinVar aggregate classification (germline): Uncertain significance (1 of 4 stars; one submission).

Conditions:
Cardiovascular phenotype. Identifiers: MedGen CN230736.

Submission:

Ambry Genetics
Classification: Uncertain significance for Cardiovascular phenotype. Last evaluated: 2023-03-23. Review status: criteria provided, single submitter. Criteria: Ambry Variant Classification Scheme 2023. Collection method: clinical testing. Allele origin: germline.
Comment: The p.L3408F variant (also known as c.10222C>T), located in coding exon 41 of the AKAP9 gene, results from a C to T substitution at nucleotide position 10222. The leucine at codon 3408 is replaced by phenylalanine, an amino acid with highly similar properties. This amino acid position is conserved. In addition, this alteration is predicted to be tolerated by in silico analysis. Since supporting evidence is limited at this time, the clinical significance of this alteration remains unclear.

NM_005751.5(AKAP9):c.10222C>T (p.Leu3408Phe)

Gene: AKAP9 (A-kinase anchoring protein 9; plus strand). Cytogenetic location: 7q21.2.
Variant type: single nucleotide variant.
Coding change: c.10222C>T on transcript NM_005751.5 (MANE Select); coding-DNA position 10222, C replaced by T.
Protein change: p.Leu3408Phe; replaces leucine 3408 with phenylalanine.
Molecular consequence: missense variant.
Genome position (GRCh38, 1-based): chr7:92,097,181, C>T. VCF-style: chr7-92097181-C-T. GRCh37 (hg19) VCF-style: chr7-91726495-C-T.
Other names: c.4867C>T, p.Leu1623Phe (NM_001379277.1); c.10198C>T, p.Leu3400Phe (NM_147185.3); short protein forms L3408F, L3400F, L1623F.
Identifiers: ClinVar variation 2564452 (VCV002564452.2), dbSNP rs2535300980, ClinGen allele CA368154374.
Genomic context (GRCh38, chr7:92,097,181, plus strand): 5'-AGGAAAACACTGCAGACAGAACAGGAGGCCAACACTGAGGGACAGAAAAAAATGCATGAG[C>T]TCCAGTCCAAAGTGGAAGATCTTCAGCGCCAGCTGGAAGAGAAAAGACAACAAGTTTATA-3'
Protein context (NP_005742.4, residues 3398-3418): NTEGQKKMHE[Leu3408Phe]QSKVEDLQRQ